The following is an entry in ClinVar:

ClinVar aggregate classification (germline): Conflicting classifications of pathogenicity. Review status: criteria provided, conflicting classifications (1 of 4 stars). 4 submissions from 4 submitters: Uncertain significance (1); Benign (1); Likely benign (2). Last evaluated 2025-11-19.

Conditions:
LRSAM1-related disorder. Also called: LRSAM1-related condition.
Inborn genetic diseases. Identifiers: MedGen C0950123, MeSH D030342.
Charcot-Marie-Tooth disease axonal type 2P. Also called: CHARCOT-MARIE-TOOTH DISEASE, AXONAL, TYPE 2G; CMT 2G; CHARCOT-MARIE-TOOTH NEUROPATHY, TYPE 2P; Charcot-Marie-Tooth Neuropathy Type 2G. Identifiers: Orphanet 300319, Orphanet 99941, MedGen C3280797, MONDO:0013753, OMIM 614436.

Allele frequency attached by ClinVar (database versions not stated): gnomAD exomes 0.00008 and 0.00003; ExAC 0.00011; gnomAD 0.00046 and 0.00056; TOPMed 0.00048; ESP Exome Variant Server 0.00077.

Submissions (4):

PreventionGenetics, part of Exact Sciences
Classification: Likely benign for LRSAM1-related condition. Last evaluated: 2025-11-19. Review status: criteria provided, single submitter. Criteria: ACMG Guidelines, 2015. Collection method: clinical testing. Allele origin: germline.
Comment: This variant is classified as likely benign based on ACMG/AMP sequence variant interpretation guidelines (Richards et al. 2015 PMID: 25741868, with internal and published modifications).

Labcorp Genetics (formerly Invitae), Labcorp
Classification: Benign for Charcot-Marie-Tooth disease axonal type 2P. Last evaluated: 2025-08-22. Review status: criteria provided, single submitter. Criteria: Invitae Variant Classification Sherloc (09022015). Collection method: clinical testing. Allele origin: germline.

Ambry Genetics
Classification: Likely benign for Inborn genetic diseases. Last evaluated: 2019-07-11. Review status: criteria provided, single submitter. Criteria: Ambry Variant Classification Scheme 2023. Collection method: clinical testing. Allele origin: germline.

GeneDx
Classification: Uncertain significance. Last evaluated: 2017-06-08. Review status: criteria provided, single submitter. Criteria: GeneDx Variant Classification (06012015). Collection method: clinical testing. Allele origin: germline. Affected: yes.
Comment: A variant of uncertain significance has been identified in the LRSAM1 gene. The c.414 G>A variant has not been published as a pathogenic variant, nor has it been reported as a benign variant to our knowledge. The c.414 G>A variant is observed in 12/10398 (0.1%) alleles from individuals of African background, (Lek et al., 2016; 1000 Genomes Consortium et al., 2015; Exome Variant Server). Several in-silico splice prediction models predict that c.414 G>A damages the splice acceptor site for exon 8 which may lead to abnormal gene splicing. However, in the absence of RNA/functional studies, the actual effect of this sequence change in this individual is unknown. Therefore, based on the currently available information, it is unclear whether this variant is a pathogenic variant or a rare benign variant.

NM_001005373.4(LRSAM1):c.414G>A (p.Lys138=)

Gene: LRSAM1 (leucine rich repeat and sterile alpha motif containing 1; plus strand). Cytogenetic location: 9q33.3.
Variant type: single nucleotide variant.
Coding change: c.414G>A on transcript NM_001005373.4 (MANE Select); coding-DNA position 414, G replaced by A.
Protein change: p.Lys138=; no amino-acid change (lysine 138 retained).
Molecular consequence: synonymous variant. On other transcripts: 5 prime UTR variant (1), non-coding transcript variant (2).
Genome position (GRCh38, 1-based): chr9:127,462,259, G>A. VCF-style: chr9-127462259-G-A. GRCh37 (hg19) VCF-style: chr9-130224538-G-A.
Other names: c.414G>A (NM_138361.4); c.414G>A, p.Lys138= (NM_001005374.4, NM_001190723.3, NM_001384142.1 and 2 more transcripts); c.-371G>A (NM_001384144.1).
Identifiers: ClinVar variation 449158 (VCV000449158.15), dbSNP rs151323851, ClinGen allele CA5246549.
Genomic context (GRCh38, chr9:127,462,259, plus strand): 5'-AAGCTGGTGATGGGGATTTGGGGTGTTGAGCTGTGCTATTGGGGTCTCTGCAGACAACAA[G>A]CTGAAGGAGCTTCCAGACACCGTGGGGGAGCTTCGAAGCCTGCGTACCCTCAACATCAGT-3'
Protein context (NP_001005373.1, residues 128-148): QLQTLNVKDN[Lys138=]LKELPDTVGE